The following is an entry in ClinVar:

NM_033109.5(PNPT1):c.566-5T>A

Gene: PNPT1 (polyribonucleotide nucleotidyltransferase 1; minus strand). Cytogenetic location: 2p16.1.
Variant type: single nucleotide variant.
Coding change: c.566-5T>A on transcript NM_033109.5 (MANE Select); 5 bases into the intron before coding-DNA position 566, T replaced by A.
Molecular consequence: intron variant.
Genome position (GRCh38, 1-based): chr2:55,679,800, A>T on the plus strand (T>A on the coding strand, the complement: PNPT1 is on the minus strand). VCF-style: chr2-55679800-A-T. GRCh37 (hg19) VCF-style: chr2-55906935-A-T.
Identifiers: ClinVar variation 2092267 (VCV002092267.4), dbSNP rs2529600173, ClinGen allele CA2580067464.

ClinVar aggregate classification (germline): Uncertain significance (1 of 4 stars; one submission).

Submission:

Labcorp Genetics (formerly Invitae), Labcorp
Classification: Uncertain significance. Last evaluated: 2022-07-06. Review status: criteria provided, single submitter. Criteria: Invitae Variant Classification Sherloc (09022015). Collection method: clinical testing. Allele origin: germline.
Comment: In summary, the available evidence is currently insufficient to determine the role of this variant in disease. Therefore, it has been classified as a Variant of Uncertain Significance. Algorithms developed to predict the effect of sequence changes on RNA splicing suggest that this variant may disrupt the consensus splice site. This variant has not been reported in the literature in individuals affected with PNPT1-related conditions. This variant is not present in population databases (gnomAD no frequency). This sequence change falls in intron 7 of the PNPT1 gene. It does not directly change the encoded amino acid sequence of the PNPT1 protein.